The following is an entry in ClinVar:

NM_001035.3(RYR2):c.12812T>G (p.Val4271Gly)

Genes: RYR2 (ryanodine receptor 2; plus strand), LOC126806068 (BRD4-independent group 4 enhancer GRCh37_chr1:237947411-237948610; plus strand). Cytogenetic location: 1q43.
Variant type: single nucleotide variant.
Coding change: c.12812T>G on transcript NM_001035.3 (MANE Select); coding-DNA position 12812, T replaced by G.
Protein change: p.Val4271Gly; replaces valine 4271 with glycine.
Molecular consequence: missense variant.
Genome position (GRCh38, 1-based): chr1:237,784,524, T>G. VCF-style: chr1-237784524-T-G. GRCh37 (hg19) VCF-style: chr1-237947824-T-G.
Other names: short protein forms V4271G.
Identifiers: ClinVar variation 3074482 (VCV003074482.1), dbSNP rs1228017878, ClinGen allele CA345414300.

ClinVar aggregate classification (germline): Uncertain significance (1 of 4 stars; one submission).

Conditions:
Catecholaminergic polymorphic ventricular tachycardia (CVPT). Also called: Catecholamine-induced polymorphic ventricular tachycardia. Identifiers: Orphanet 3286, MedGen C5574922, MONDO:0017990.

Allele frequency attached by ClinVar (database versions not stated): gnomAD exomes below 0.00001.
gnomAD v4.1: 1 of 1,613,712 alleles (0.000062%); highest among the groups gnomAD compares: Non-Finnish European, 0.000085%; no homozygotes.

Submission:

All of Us Research Program, National Institutes of Health
Classification: Uncertain significance for Catecholaminergic polymorphic ventricular tachycardia. Last evaluated: 2023-11-20. Review status: criteria provided, single submitter. Criteria: ACMG Guidelines, 2015. Collection method: clinical testing. Allele origin: germline. Inheritance: Autosomal dominant inheritance. Observed: 1 variant allele, 1 heterozygote.
Comment: This missense variant replaces valine with glycine at codon 4271 of the RYR2 protein. Computational prediction suggests that this variant may not impact protein structure and function (internally defined REVEL score threshold <= 0.5, PMID: 27666373). To our knowledge, functional studies have not been reported for this variant. This variant has not been reported in individuals affected with RYR2-related disorders in the literature. This variant has been identified in 1/247912 chromosomes in the general population by the Genome Aggregation Database (gnomAD). The available evidence is insufficient to determine the role of this variant in disease conclusively. Therefore, this variant is classified as a Variant of Uncertain Significance.

This study involves interpretation of variants in research participants for the purpose of population health screening. Participant phenotype was not available at the time of variant classification. Additional details can be found in publication PMID: 35346344, PMCID: PMC8962531